The following is an entry in ClinVar:

ClinVar aggregate classification (germline): Uncertain significance (1 of 4 stars; one submission).

Conditions:
Progressive myoclonic epilepsy type 8. Identifiers: Orphanet 424027, MedGen C5190825, MONDO:0014545, OMIM 616230.

Submission:

Labcorp Genetics (formerly Invitae), Labcorp
Classification: Uncertain significance for Progressive myoclonic epilepsy type 8. Last evaluated: 2023-11-19. Review status: criteria provided, single submitter. Criteria: Invitae Variant Classification Sherloc (09022015). Collection method: clinical testing. Allele origin: germline.
Comment: This sequence change replaces cysteine, which is neutral and slightly polar, with glycine, which is neutral and non-polar, at codon 40 of the CERS1 protein (p.Cys40Gly). This variant is not present in population databases (gnomAD no frequency). This variant has not been reported in the literature in individuals affected with CERS1-related conditions. An algorithm developed to predict the effect of missense changes on protein structure and function (PolyPhen-2) suggests that this variant is likely to be tolerated. In summary, the available evidence is currently insufficient to determine the role of this variant in disease. Therefore, it has been classified as a Variant of Uncertain Significance.

NM_021267.5(CERS1):c.118T>G (p.Cys40Gly)

Genes: CERS1 (ceramide synthase 1; minus strand), GDF1 (growth differentiation factor 1; minus strand). Cytogenetic location: 19p13.11.
Variant type: single nucleotide variant.
Coding change: c.118T>G on transcript NM_021267.5 (MANE Select); coding-DNA position 118, T replaced by G.
Protein change: p.Cys40Gly; replaces cysteine 40 with glycine.
Molecular consequence: missense variant. On other transcripts: 5 prime UTR variant (4), intron variant (3).
Genome position (GRCh38, 1-based): chr19:18,895,955, A>C on the plus strand (T>G on the coding strand, the complement: CERS1 is on the minus strand). VCF-style: chr19-18895955-A-C. GRCh37 (hg19) VCF-style: chr19-19006764-A-C.
Other names: c.-785T>G (NM_001387438.1); c.-1205T>G (NM_001492.6); c.-46+771T>G (NM_001387443.1); c.-46+606T>G (NM_001387442.1, NM_001290265.2); c.118T>G, p.Cys40Gly (NM_001387439.1, NM_001387440.1, NM_001387441.1 and 1 more transcripts); c.-411T>G (NM_001387444.1); c.-358T>G (NM_001387445.1); short protein forms C40G.
Identifiers: ClinVar variation 2970747 (VCV002970747.3), dbSNP rs2513048081, ClinGen allele CA404868597.